The following is an entry in ClinVar:

ClinVar aggregate classification (germline): Uncertain significance. Review status: criteria provided, multiple submitters, no conflicts (2 of 4 stars). 2 submissions from 2 submitters: Uncertain significance (2). Last evaluated 2025-10-15.

Conditions:
Inborn genetic diseases. Identifiers: MedGen C0950123, MeSH D030342.

Submissions (2):

Ambry Genetics
Classification: Uncertain significance for Inborn genetic diseases. Last evaluated: 2025-10-15. Review status: criteria provided, single submitter. Criteria: Ambry Variant Classification Scheme 2023. Collection method: clinical testing. Allele origin: germline.

GeneDx
Classification: Uncertain significance. Last evaluated: 2023-01-03. Review status: criteria provided, single submitter. Criteria: GeneDx Variant Classification Process June 2021. Collection method: clinical testing. Allele origin: germline. Affected: yes.
Comment: Not observed at significant frequency in large population cohorts (gnomAD); In silico analysis supports that this missense variant does not alter protein structure/function; Has not been previously published as pathogenic or benign to our knowledge

NM_004268.5(MED17):c.706A>T (p.Ile236Leu)

Gene: MED17 (mediator complex subunit 17; plus strand). Cytogenetic location: 11q21.
Variant type: single nucleotide variant.
Coding change: c.706A>T on transcript NM_004268.5 (MANE Select); coding-DNA position 706, A replaced by T.
Protein change: p.Ile236Leu; replaces isoleucine 236 with leucine.
Molecular consequence: missense variant.
Genome position (GRCh38, 1-based): chr11:93,793,796, A>T. VCF-style: chr11-93793796-A-T. GRCh37 (hg19) VCF-style: chr11-93526962-A-T.
Other names: short protein forms I236L.
Identifiers: ClinVar variation 2507385 (VCV002507385.2), dbSNP rs1413054976, ClinGen allele CA382355948.
Genomic context (GRCh38, chr11:93,793,796, plus strand): 5'-TTTCCTCATCATGGTACATTTGAAGTAATAAAGAATACAGATCTCGATCTGGATAAAAAG[A>T]TACCTGAAGATTACTGTCCTCTTGATGTCCAAATTCCTAGTGATTTAGAGGGGTCTGCAT-3'
Protein context (NP_004259.3, residues 226-246): KNTDLDLDKK[Ile236Leu]PEDYCPLDVQ